The following is an entry in ClinVar:

ClinVar aggregate classification (germline): Uncertain significance (1 of 4 stars; one submission).

Conditions:
Familial adenomatous polyposis 1 (FAP1). Also called: FAMILIAL ADENOMATOUS POLYPOSIS 1, ATTENUATED; POLYPOSIS, ADENOMATOUS INTESTINAL. Identifiers: MedGen C2713442, MONDO:0021056, OMIM 175100. Disease mechanism: loss of function.

Allele frequency attached by ClinVar (database versions not stated): gnomAD exomes below 0.00001.

Submission:

Labcorp Genetics (formerly Invitae), Labcorp
Classification: Uncertain significance for Familial adenomatous polyposis 1. Last evaluated: 2017-10-01. Review status: criteria provided, single submitter. Criteria: Invitae Variant Classification Sherloc (09022015). Collection method: clinical testing. Allele origin: germline.
Comment: In summary, the available evidence is currently insufficient to determine the role of this variant in disease. Therefore, it has been classified as a Variant of Uncertain Significance. Algorithms developed to predict the effect of missense changes on protein structure and function do not agree on the potential impact of this missense change (SIFT: "Deleterious"; PolyPhen-2: "Probably Damaging"; Align-GVGD: "Class C0"). This variant has not been reported in the literature in individuals with APC-related disease. This sequence change replaces glutamine with arginine at codon 1045 of the APC protein (p.Gln1045Arg). The glutamine residue is highly conserved and there is a small physicochemical difference between glutamine and arginine. This variant is not present in population databases (ExAC no frequency).

NM_000038.6(APC):c.3134A>G (p.Gln1045Arg)

Gene: APC (APC regulator of Wnt signaling pathway; plus strand). Cytogenetic location: 5q22.2.
Variant type: single nucleotide variant.
Coding change: c.3134A>G on transcript NM_000038.6 (MANE Select); coding-DNA position 3134, A replaced by G.
Protein change: p.Gln1045Arg; replaces glutamine 1045 with arginine.
Molecular consequence: missense variant.
Genome position (GRCh38, 1-based): chr5:112,838,728, A>G. VCF-style: chr5-112838728-A-G. GRCh37 (hg19) VCF-style: chr5-112174425-A-G.
Other names: c.3134A>G, p.Gln1045Arg (NM_001127510.3, NM_001354895.2); c.3080A>G, p.Gln1027Arg (NM_001127511.3); c.3188A>G, p.Gln1063Arg (NM_001354896.2); c.3164A>G, p.Gln1055Arg (NM_001354897.2); c.3059A>G, p.Gln1020Arg (NM_001354898.2); c.3050A>G, p.Gln1017Arg (NM_001354899.2); c.3011A>G, p.Gln1004Arg (NM_001354900.2); c.2957A>G, p.Gln986Arg (NM_001354901.2); and 5 more; short protein forms Q1045R, Q1027R, Q762R, Q1004R, Q1017R, Q944R, Q954R, Q986R.
Identifiers: ClinVar variation 537422 (VCV000537422.10), dbSNP rs1554084722, ClinGen allele CA16028201.